The following is an entry in ClinVar:

ClinVar aggregate classification (germline): Conflicting classifications of pathogenicity. Review status: criteria provided, conflicting classifications (1 of 4 stars). 2 submissions from 2 submitters: Likely pathogenic (1); Uncertain significance (1). Last evaluated 2022-06-20.

Conditions:
ZEB2-related disorder. Also called: ZEB2-related condition.
Mowat-Wilson syndrome (MOWS). Also called: Classic Mowat-Wilson Syndrome. Identifiers: Orphanet 2152, MedGen C1856113, MONDO:0009341, OMIM 235730.

Submissions (2):

Blueprint Genetics
Classification: Likely pathogenic for ZEB2-related disorders. Last evaluated: 2022-06-20. Review status: criteria provided, single submitter. Criteria: ACMG Guidelines, 2015. Collection method: clinical testing. Allele origin: de novo. Affected: yes. Observed: 1 variant allele.

Labcorp Genetics (formerly Invitae), Labcorp
Classification: Uncertain significance for Mowat-Wilson syndrome. Last evaluated: 2020-01-28. Review status: criteria provided, single submitter. Criteria: Invitae Variant Classification Sherloc (09022015). Collection method: clinical testing. Allele origin: germline.
Comment: In summary, the available evidence is currently insufficient to determine the role of this variant in disease. Therefore, it has been classified as a Variant of Uncertain Significance. Experimental studies and prediction algorithms are not available for this variant, and the functional significance of the deleted amino acids is currently unknown. This variant has not been reported in the literature in individuals with ZEB2-related disease. This variant is not present in population databases (ExAC no frequency). This variant, c.3202_3207delGGCTCG, results in the deletion of 2 amino acids of the ZEB2 protein (p.Gly1068_Ser1069del), but otherwise preserves the integrity of the reading frame.

NM_014795.4(ZEB2):c.3202_3207del (p.Gly1068_Ser1069del)

Gene: ZEB2 (zinc finger E-box binding homeobox 2; minus strand). Cytogenetic location: 2q22.3.
Variant type: Deletion.
Coding change: c.3202_3207del on transcript NM_014795.4 (MANE Select); coding-DNA positions 3202 to 3207, 6 bases deleted (GGCTCG; older notation c.3202_3207delGGCTCG).
Protein change: p.Gly1068_Ser1069del.
Molecular consequence: inframe deletion.
Genome position (GRCh38, 1-based): chr2:144,389,889-144,389,894, CGAGCC deleted on the plus strand (GGCTCG on the coding strand, the reverse complement: ZEB2 is on the minus strand); deleting any 6 consecutive bases within chr2:144,389,889-144,389,898 gives the same sequence; the c. name uses the placement nearest the transcript's 3' end. VCF-style (leftmost placement, unchanged base first): chr2-144389888-ACGAGCC-A. GRCh37 (hg19) VCF-style: chr2-145147455-ACGAGCC-A.
Other names: c.3130_3135del, p.Gly1044_Ser1045del (NM_001171653.2).
Identifiers: ClinVar variation 534640 (VCV000534640.9), dbSNP rs1553960777, ClinGen allele CA658795855.